The following is an entry in ClinVar:

NM_013352.4(DSE):c.1735C>T (p.Pro579Ser)

Gene: DSE (dermatan sulfate epimerase; plus strand). Cytogenetic location: 6q22.1.
Variant type: single nucleotide variant.
Coding change: c.1735C>T on transcript NM_013352.4 (MANE Select); coding-DNA position 1735, C replaced by T.
Protein change: p.Pro579Ser; replaces proline 579 with serine.
Molecular consequence: missense variant. On other transcripts: 3 prime UTR variant (2), non-coding transcript variant (1).
Genome position (GRCh38, 1-based): chr6:116,436,203, C>T. VCF-style: chr6-116436203-C-T. GRCh37 (hg19) VCF-style: chr6-116757366-C-T.
Other names: c.1735C>T, p.Pro579Ser (NM_001080976.3, NM_001322937.2, NM_001322938.2); c.1792C>T, p.Pro598Ser (NM_001322939.2); c.1174C>T, p.Pro392Ser (NM_001322940.2, NM_001322941.2); c.*600C>T (NM_001322943.2, NM_001322944.2); c.736C>T, p.Pro246Ser (NM_001374520.1); c.700C>T, p.Pro234Ser (NM_001374521.1); short protein forms P234S, P579S, P598S, P246S, P392S.
Identifiers: ClinVar variation 1948013 (VCV001948013.5), dbSNP rs2482301920, ClinGen allele CA365402887.

ClinVar aggregate classification (germline): Uncertain significance. Review status: criteria provided, multiple submitters, no conflicts (2 of 4 stars). 2 submissions from 2 submitters: Uncertain significance (2). Last evaluated 2025-04-14.

Conditions:
Ehlers-Danlos syndrome, musculocontractural type 2 (EDSMC2). Identifiers: Orphanet 2953, MedGen C3809845, MONDO:0014236, OMIM 615539.

Allele frequency attached by ClinVar (database versions not stated): gnomAD exomes below 0.00001.
gnomAD v4.1: 1 of 1,613,928 alleles (0.000062%); highest among the groups gnomAD compares: Middle Eastern, 0.017%; no homozygotes.

Submissions (2):

Women's Health and Genetics/Laboratory Corporation of America, LabCorp
Classification: Uncertain significance. Last evaluated: 2025-04-14. Review status: criteria provided, single submitter. Criteria: LabCorp Variant Classification Summary - May 2015. Collection method: clinical testing. Allele origin: germline.
Comment: Variant summary: DSE c.1735C>T (p.Pro579Ser) results in a non-conservative amino acid change in the encoded protein sequence. Three of five in-silico tools predict a benign effect of the variant on protein function. The variant was absent in 251254 control chromosomes (gnomAD). The available data on variant occurrences in the general population are insufficient to allow any conclusion about variant significance. To our knowledge, no occurrence of c.1735C>T in individuals affected with Ehlers-Danlos syndrome, musculocontractural type 2 and no experimental evidence demonstrating its impact on protein function have been reported. ClinVar contains an entry for this variant (Variation ID: 1948013). Based on the evidence outlined above, the variant was classified as uncertain significance.

Labcorp Genetics (formerly Invitae), Labcorp
Classification: Uncertain significance for Ehlers-Danlos syndrome, musculocontractural type 2. Last evaluated: 2024-04-08. Review status: criteria provided, single submitter. Criteria: Invitae Variant Classification Sherloc (09022015). Collection method: clinical testing. Allele origin: germline.
Comment: This sequence change replaces proline, which is neutral and non-polar, with serine, which is neutral and polar, at codon 579 of the DSE protein (p.Pro579Ser). This variant is not present in population databases (gnomAD no frequency). This variant has not been reported in the literature in individuals affected with DSE-related conditions. ClinVar contains an entry for this variant (Variation ID: 1948013). Advanced modeling of protein sequence and biophysical properties (such as structural, functional, and spatial information, amino acid conservation, physicochemical variation, residue mobility, and thermodynamic stability) performed at Invitae indicates that this missense variant is not expected to disrupt DSE protein function with a negative predictive value of 80%. In summary, the available evidence is currently insufficient to determine the role of this variant in disease. Therefore, it has been classified as a Variant of Uncertain Significance.